The following is an entry in ClinVar:

NM_003073.5(SMARCB1):c.987-4G>A

Gene: SMARCB1 (SWI/SNF related BAF chromatin remodeling complex subunit B1; plus strand). Cytogenetic location: 22q11.23.
Variant type: single nucleotide variant.
Coding change: c.987-4G>A on transcript NM_003073.5 (MANE Select); 4 bases into the intron before coding-DNA position 987, G replaced by A.
Molecular consequence: intron variant.
Genome position (GRCh38, 1-based): chr22:23,833,568, G>A. VCF-style: chr22-23833568-G-A. GRCh37 (hg19) VCF-style: chr22-24175755-G-A.
Other names: c.987-4G>A (LRG_520t1); c.1041-4G>A (NM_001362877.2); c.1014-4G>A (NM_001317946.2); c.960-4G>A (NM_001007468.3).
Identifiers: ClinVar variation 464342 (VCV000464342.46), dbSNP rs745773662, ClinGen allele CA10146095.
Genomic context (GRCh38, chr22:23,833,568, plus strand): 5'-TTTCTGAGGATTCTCCATCTATAGCTGGAAAAGTCATTCCTCTCACTGCCTCCCCTCCTC[G>A]TAGCGAGAACCCTCTGCCCACAGTGGAGATTGCCATCCGGAACACGGGCGATGCGGACCA-3'

ClinVar aggregate classification (germline): Conflicting classifications of pathogenicity. Review status: criteria provided, conflicting classifications (1 of 4 stars). 5 submissions from 5 submitters: Uncertain significance (1); Likely benign (4). Last evaluated 2026-08-01.

Conditions:
Hereditary cancer-predisposing syndrome. Also called: Hereditary neoplastic syndrome; Tumor predisposition; Neoplastic Syndromes, Hereditary; Hereditary Cancer Syndrome. Identifiers: Orphanet 140162, MedGen C0027672, MeSH D009386, MONDO:0015356.

Allele frequency attached by ClinVar (database versions not stated): ExAC 0.00002; gnomAD exomes 0.00004; TOPMed 0.00005; gnomAD 0.00006.
gnomAD v4.1: 43 of 1,614,022 alleles (0.0027%); highest among the groups gnomAD compares: East Asian, 0.02%; no homozygotes.

Submissions (5):

CeGaT Center for Human Genetics Tuebingen
Classification: Uncertain significance. Last evaluated: 2026-08-01. Review status: criteria provided, single submitter. Criteria: CeGaT Center For Human Genetics Tuebingen Variant Classification Criteria Version 2. Collection method: clinical testing. Allele origin: germline. Affected: yes. Observed: 3 variant alleles.
Comment: SMARCB1: PP3

Labcorp Genetics (formerly Invitae), Labcorp
Classification: Likely benign. Last evaluated: 2026-01-25. Review status: criteria provided, single submitter. Criteria: Invitae Variant Classification Sherloc (09022015). Collection method: clinical testing. Allele origin: germline.

Blueprint Genetics
Classification: Likely benign. Last evaluated: 2024-10-21. Review status: criteria provided, single submitter. Criteria: ACMG Guidelines, 2015. Collection method: clinical testing. Allele origin: germline.

Ambry Genetics
Classification: Likely benign for Hereditary cancer-predisposing syndrome. Last evaluated: 2022-07-08. Review status: criteria provided, single submitter. Criteria: Ambry Variant Classification Scheme 2023. Collection method: clinical testing. Allele origin: germline.

Sema4
Classification: Likely benign for Hereditary cancer-predisposing syndrome. Last evaluated: 2021-11-02. Review status: criteria provided, single submitter. Criteria: Sema4 Curation Guidelines. Collection method: curation. Allele origin: germline.